The following is an entry in ClinVar:

NM_005505.5(SCARB1):c.21G>C (p.Ala7=)

Genes: SCARB1 (scavenger receptor class B member 1; minus strand), LOC130009157 (ATAC-STARR-seq lymphoblastoid silent region 5067; plus strand). Cytogenetic location: 12q24.31.
Variant type: single nucleotide variant.
Coding change: c.21G>C on transcript NM_005505.5 (MANE Select); coding-DNA position 21, G replaced by C.
Protein change: p.Ala7=; no amino-acid change (alanine 7 retained).
Molecular consequence: synonymous variant. On other transcripts: non-coding transcript variant (9).
Genome position (GRCh38, 1-based): chr12:124,863,700, C>G on the plus strand (G>C on the coding strand, the complement: SCARB1 is on the minus strand). VCF-style: chr12-124863700-C-G. GRCh37 (hg19) VCF-style: chr12-125348246-C-G.
Other names: c.21G>C, p.Ala7= (NM_001082959.2, NM_001367981.1, NM_001367983.1 and 6 more transcripts).
Identifiers: ClinVar variation 1290029 (VCV001290029.33), dbSNP rs199966909, ClinGen allele CA6870728.

ClinVar aggregate classification (germline): Benign/Likely benign. Review status: criteria provided, multiple submitters, no conflicts (2 of 4 stars). 3 submissions from 3 submitters: Benign (2); Likely benign (1). Last evaluated 2025-12-03.

Allele frequency attached by ClinVar (database versions not stated): ESP Exome Variant Server 0.00031; TOPMed 0.00046; 1000 Genomes Project 30x 0.00297; gnomAD exomes 0.00335 and 0.01041; 1000 Genomes Project 0.00379; ExAC 0.00446; gnomAD 0.00741 and 0.00778.
gnomAD v4.1: 5,732 of 1,538,226 alleles (0.37%); highest among the groups gnomAD compares: Middle Eastern, 0.068%; 221 homozygotes.

Submissions (3):

Labcorp Genetics (formerly Invitae), Labcorp
Classification: Benign. Last evaluated: 2025-12-03. Review status: criteria provided, single submitter. Criteria: Invitae Variant Classification Sherloc (09022015). Collection method: clinical testing. Allele origin: germline.

CeGaT Center for Human Genetics Tuebingen
Classification: Likely benign. Last evaluated: 2022-06-01. Review status: criteria provided, single submitter. Criteria: CeGaT Center For Human Genetics Tuebingen Variant Classification Criteria Version 2. Collection method: clinical testing. Allele origin: germline. Affected: yes. Observed: 1 variant allele.
Comment: SCARB1: BP4, BP7

GeneDx
Classification: Benign. Last evaluated: 2020-06-04. Review status: criteria provided, single submitter. Criteria: GeneDx Variant Classification Process June 2021. Collection method: clinical testing. Allele origin: germline. Affected: yes.